The following is an entry in ClinVar:

ClinVar aggregate classification (germline): Uncertain significance. Review status: criteria provided, multiple submitters, no conflicts (2 of 4 stars). 2 submissions from 2 submitters: Uncertain significance (2). Last evaluated 2025-07-22.

Conditions:
Hereditary cancer-predisposing syndrome. Also called: Neoplastic Syndromes, Hereditary; Tumor predisposition; Hereditary Cancer Syndrome; Hereditary neoplastic syndrome. Identifiers: Orphanet 140162, MedGen C0027672, MeSH D009386, MONDO:0015356.

Submissions (2):

Ambry Genetics
Classification: Uncertain significance for Hereditary cancer-predisposing syndrome. Last evaluated: 2025-07-22. Review status: criteria provided, single submitter. Criteria: Ambry Variant Classification Scheme 2023. Collection method: clinical testing. Allele origin: germline.
Comment: The p.L1171P variant (also known as c.3512T>C), located in coding exon 29 of the POLE gene, results from a T to C substitution at nucleotide position 3512. The leucine at codon 1171 is replaced by proline, an amino acid with similar properties. This amino acid position is highly conserved in available vertebrate species. In addition, the in silico prediction for this alteration is inconclusive. Based on the available evidence, the clinical significance of this variant remains unclear.

Labcorp Genetics (formerly Invitae), Labcorp
Classification: Uncertain significance. Last evaluated: 2022-11-17. Review status: criteria provided, single submitter. Criteria: Invitae Variant Classification Sherloc (09022015). Collection method: clinical testing. Allele origin: germline.
Comment: In summary, the available evidence is currently insufficient to determine the role of this variant in disease. Therefore, it has been classified as a Variant of Uncertain Significance. Algorithms developed to predict the effect of missense changes on protein structure and function (SIFT, PolyPhen-2, Align-GVGD) all suggest that this variant is likely to be disruptive. This variant has not been reported in the literature in individuals affected with POLE-related conditions. This variant is not present in population databases (gnomAD no frequency). This sequence change replaces leucine, which is neutral and non-polar, with proline, which is neutral and non-polar, at codon 1171 of the POLE protein (p.Leu1171Pro).

NM_006231.4(POLE):c.3512T>C (p.Leu1171Pro)

Gene: POLE (DNA polymerase epsilon, catalytic subunit; minus strand). Cytogenetic location: 12q24.33.
Variant type: single nucleotide variant.
Coding change: c.3512T>C on transcript NM_006231.4 (MANE Select); coding-DNA position 3512, T replaced by C.
Protein change: p.Leu1171Pro; replaces leucine 1171 with proline.
Molecular consequence: missense variant.
Genome position (GRCh38, 1-based): chr12:132,657,206, A>G on the plus strand (T>C on the coding strand, the complement: POLE is on the minus strand). VCF-style: chr12-132657206-A-G. GRCh37 (hg19) VCF-style: chr12-133233792-A-G.
Other names: short protein forms L1171P.
Identifiers: ClinVar variation 1732176 (VCV001732176.6), dbSNP rs2042562983, ClinGen allele CA387388591.
Genomic context (GRCh38, chr12:132,657,206, plus strand): 5'-CCCTCCAGGGTGAAGAGCTCACTGATCTTCTTCTGCTTGTAGACATCATTCTTCTCCAGC[A>G]GTTTTTTGTGCAGCCAGTCGGGGTGTTTGACACGTGGCACTGGGTTCTTTACCTGTGTGA-3'
Protein context (NP_006222.2, residues 1161-1181): VKHPDWLHKK[Leu1171Pro]LEKNDVYKQK